The following is an entry in ClinVar:

NM_024675.4(PALB2):c.1692_1693del (p.Arg566fs)

Gene: PALB2 (partner and localizer of BRCA2; minus strand). Cytogenetic location: 16p12.2.
Variant type: Deletion.
Coding change: c.1692_1693del on transcript NM_024675.4 (MANE Select); coding-DNA positions 1692 to 1693, 2 bases deleted (AA; older notation c.1692_1693delAA).
Protein change: p.Arg566fs; shifts the reading frame from arginine 566.
Molecular consequence: frameshift variant. On other transcripts: 5 prime UTR variant (2), intron variant (1).
Genome position (GRCh38, 1-based): chr16:23,630,461-23,630,462, TT deleted on the plus strand (AA on the coding strand, the reverse complement: PALB2 is on the minus strand); deleting any 2 consecutive bases within chr16:23,630,461-23,630,464 gives the same sequence; the c. name uses the placement nearest the transcript's 3' end. VCF-style (leftmost placement, unchanged base first): chr16-23630460-CTT-C. GRCh37 (hg19) VCF-style: chr16-23641781-CTT-C.
Other names: c.1632_1633del, p.Arg546fs (NM_001407296.1); c.1692_1693del, p.Arg566fs (NM_001407297.1, NM_001407298.1, NM_001407299.1 and 3 more transcripts); c.807_808del, p.Arg271fs (NM_001407304.1, NM_001407305.1, NM_001407306.1 and 5 more transcripts); c.-97_-96del (NM_001407312.1, NM_001407313.1); c.49-1187_49-1186del (NM_001407314.1); c.1692_1693delAA (NM_024675.3); short protein forms R546fs, R271fs, R566fs.
Identifiers: ClinVar variation 2821415 (VCV002821415.4), dbSNP rs2506439815, ClinGen allele CA2739266678.

ClinVar aggregate classification (germline): Pathogenic. Review status: criteria provided, multiple submitters, no conflicts (2 of 4 stars). 2 submissions from 2 submitters: Pathogenic (2). Last evaluated 2024-11-20.

Conditions:
Hereditary cancer-predisposing syndrome. Also called: Neoplastic Syndromes, Hereditary; Hereditary neoplastic syndrome; Tumor predisposition; Hereditary Cancer Syndrome. Identifiers: Orphanet 140162, MedGen C0027672, MeSH D009386, MONDO:0015356.
Familial cancer of breast. Also called: Hereditary breast cancer; BREAST CANCER, FAMILIAL; hereditary breast carcinoma. Identifiers: Orphanet 227535, MedGen C0346153, MONDO:0016419, OMIM 114480. Disease mechanism: loss of function.

Submissions (2):

Ambry Genetics
Classification: Pathogenic for Hereditary cancer-predisposing syndrome. Last evaluated: 2024-11-20. Review status: criteria provided, single submitter. Criteria: Ambry Variant Classification Scheme 2023. Collection method: clinical testing. Allele origin: germline.
Comment: The c.1692_1693delAA pathogenic mutation, located in coding exon 5 of the PALB2 gene, results from a deletion of two nucleotides at nucleotide positions 1692 to 1693, causing a translational frameshift with a predicted alternate stop codon (p.R566Sfs*11). This variant is considered to be rare based on population cohorts in the Genome Aggregation Database (gnomAD). This alteration is expected to result in loss of function by premature protein truncation or nonsense-mediated mRNA decay. As such, this alteration is interpreted as a disease-causing mutation.

Labcorp Genetics (formerly Invitae), Labcorp
Classification: Pathogenic for Familial cancer of breast. Last evaluated: 2022-12-16. Review status: criteria provided, single submitter. Criteria: Invitae Variant Classification Sherloc (09022015). Collection method: clinical testing. Allele origin: germline.
Comment: This variant has not been reported in the literature in individuals affected with PALB2-related conditions. This variant is not present in population databases (gnomAD no frequency). This sequence change creates a premature translational stop signal (p.Arg566Serfs*11) in the PALB2 gene. It is expected to result in an absent or disrupted protein product. Loss-of-function variants in PALB2 are known to be pathogenic (PMID: 17200668, 17200671, 17200672, 24136930, 25099575). For these reasons, this variant has been classified as Pathogenic. Algorithms developed to predict the effect of sequence changes on RNA splicing suggest that this variant may create or strengthen a splice site.

Literature cited by the submitters: PubMed 17200668 (cited by Labcorp Genetics (formerly Invitae), Labcorp); PubMed 17200671 (cited by Labcorp Genetics (formerly Invitae), Labcorp); PubMed 17200672 (cited by Labcorp Genetics (formerly Invitae), Labcorp); PubMed 24136930 (cited by Labcorp Genetics (formerly Invitae), Labcorp); PubMed 25099575 (cited by Labcorp Genetics (formerly Invitae), Labcorp).